The following is an entry in ClinVar:

ClinVar aggregate classification (germline): Uncertain significance (1 of 4 stars; one submission).

Conditions:
Charcot-Marie-Tooth disease axonal type 2O. Also called: CHARCOT-MARIE-TOOTH NEUROPATHY, AXONAL, TYPE 2O; CHARCOT-MARIE-TOOTH DISEASE, AXONAL, AUTOSOMAL DOMINANT, TYPE 2O; Charcot-Marie-Tooth disease, axonal, type 20; Charcot-Marie-Tooth Neuropathy Type 2O. Identifiers: Orphanet 284232, MedGen C3280220, MONDO:0013644, OMIM 614228.

Submission:

Labcorp Genetics (formerly Invitae), Labcorp
Classification: Uncertain significance for Charcot-Marie-Tooth disease axonal type 2O. Last evaluated: 2022-10-05. Review status: criteria provided, single submitter. Criteria: Invitae Variant Classification Sherloc (09022015). Collection method: clinical testing. Allele origin: germline.
Comment: This variant is not present in population databases (gnomAD no frequency). In summary, the available evidence is currently insufficient to determine the role of this variant in disease. Therefore, it has been classified as a Variant of Uncertain Significance. Advanced modeling of protein sequence and biophysical properties (such as structural, functional, and spatial information, amino acid conservation, physicochemical variation, residue mobility, and thermodynamic stability) performed at Invitae indicates that this missense variant is not expected to disrupt DYNC1H1 protein function. This variant has not been reported in the literature in individuals affected with DYNC1H1-related conditions. This sequence change replaces serine, which is neutral and polar, with arginine, which is basic and polar, at codon 3964 of the DYNC1H1 protein (p.Ser3964Arg).

NM_001376.5(DYNC1H1):c.11890A>C (p.Ser3964Arg)

Gene: DYNC1H1 (dynein cytoplasmic 1 heavy chain 1; plus strand). Cytogenetic location: 14q32.31.
Variant type: single nucleotide variant.
Coding change: c.11890A>C on transcript NM_001376.5 (MANE Select); coding-DNA position 11890, A replaced by C.
Protein change: p.Ser3964Arg; replaces serine 3964 with arginine.
Molecular consequence: missense variant.
Genome position (GRCh38, 1-based): chr14:102,040,622, A>C. VCF-style: chr14-102040622-A-C. GRCh37 (hg19) VCF-style: chr14-102506959-A-C.
Other names: short protein forms S3964R.
Identifiers: ClinVar variation 2135696 (VCV002135696.4), dbSNP rs2503851672, ClinGen allele CA391037266.
Genomic context (GRCh38, chr14:102,040,622, plus strand): 5'-CCTGCTCCATGGGTGCTTCCACTATTGTCTCCACAGCAATTTGGCATCTGGCTGGACAGC[A>C]GCTCCCCGGAGCAGACTGTGCCCTACCTCTGGAGTGAAGAAACACCTGCAAGTAAGCCCC-3'
Protein context (NP_001367.2, residues 3954-3974): DEQFGIWLDS[Ser3964Arg]SPEQTVPYLW